The following is an entry in ClinVar:

NR_001566.3(TERC):n.294C>T

Genes: TERC (telomerase RNA component; minus strand), LOC110806306 (telomerase RNA component (TERC) promoter; plus strand). Cytogenetic location: 3q26.2.
Variant type: single nucleotide variant.
Genome position: GRCh38 VCF-style: chr3-169764767-G-A. GRCh37 (hg19) VCF-style: chr3-169482555-G-A.
Identifiers: ClinVar variation 834662 (VCV000834662.9), dbSNP rs1254978694, ClinGen allele CA436715130.
Genomic context (GRCh38, chr3:169,764,767, plus strand): 5'-CCTGAACCTCGCCCTCGCCCCCGAGAGACCCGCGGCTGACAGAGCCCAACTCTTCGCGGT[G>A]GCAGTGGGTGCCTCCGGAGAAGCCCCGGGCCGACCGCGGCCTCCAGGCGGGGTTCGGGGG-3'

ClinVar aggregate classification (germline): Uncertain significance. Review status: criteria provided, multiple submitters, no conflicts (2 of 4 stars). 2 submissions from 2 submitters: Uncertain significance (2). Last evaluated 2025-12-02.

Conditions:
Dyskeratosis congenita, autosomal dominant 1 (DKCA1). Also called: Dyskeratosis congenita Scoggins type. Identifiers: Orphanet 1775, MedGen C4551974, MONDO:0007485, OMIM 127550. Inheritance: Variable.
TERC-related disorder. Also called: TERC-related condition.

Allele frequency attached by ClinVar (database versions not stated): gnomAD 0.00001; gnomAD exomes 0.00001 and 0.00002; TOPMed 0.00001.
gnomAD v4.1: 6 of 744,892 alleles (0.00081%); highest among the groups gnomAD compares: Non-Finnish European, 0.0015%; no homozygotes.

Submissions (2):

Labcorp Genetics (formerly Invitae), Labcorp
Classification: Uncertain significance for Dyskeratosis congenita, autosomal dominant 1. Last evaluated: 2025-12-02. Review status: criteria provided, single submitter. Criteria: Invitae Variant Classification Sherloc (09022015). Collection method: clinical testing. Allele origin: germline.
Comment: This variant occurs in the TERC gene, which encodes an RNA molecule that does not result in a protein product. This variant is present in population databases (no rsID available, gnomAD 0.004%). This variant has not been reported in the literature in individuals affected with TERC-related conditions. ClinVar contains an entry for this variant (Variation ID: 834662). This variant is located within the conserved regions 4 and 5 (CR4-CR5) domain of the TERC RNA component, which is required for telomerase activity (PMID: 15082312, 21844345). In summary, the available evidence is currently insufficient to determine the role of this variant in disease. Therefore, it has been classified as a Variant of Uncertain Significance.

PreventionGenetics, part of Exact Sciences
Classification: Uncertain significance for TERC-related condition. Last evaluated: 2025-09-14. Review status: criteria provided, single submitter. Criteria: ACMG Guidelines, 2015. Collection method: clinical testing. Allele origin: germline.
Comment: The TERC n.294C>T is a noncoding alteration. To our knowledge, this variant has not been reported in the literature. This variant is reported in 0.0035% of alleles in individuals of European (Non-Finnish) descent in gnomAD and is classified as a variant of uncertain significance in the ClinVar database (Variation ID: 834662). At this time, the clinical significance of this variant is uncertain due to the absence of conclusive functional and genetic evidence.

Literature cited by the submitters: PubMed 15082312 (cited by Labcorp Genetics (formerly Invitae), Labcorp); PubMed 21844345 (cited by Labcorp Genetics (formerly Invitae), Labcorp).